The following is an entry in ClinVar:

NM_001003787.4(STRADA):c.828_853del (p.Val277fs)

Gene: STRADA (STE20 related adaptor alpha; minus strand). Cytogenetic location: 17q23.3.
Variant type: Deletion.
Coding change: c.828_853del on transcript NM_001003787.4 (MANE Select); coding-DNA positions 828 to 853, 26 bases deleted (TGTCCCCTTTAAGGATATGCCTGCCA).
Protein change: p.Val277fs; shifts the reading frame from valine 277.
Molecular consequence: frameshift variant. On other transcripts: non-coding transcript variant (1).
Genome position (GRCh38, 1-based): chr17:63,706,640-63,706,665, TGGCAGGCATATCCTTAAAGGGGACA deleted on the plus strand (TGTCCCCTTTAAGGATATGCCTGCCA on the coding strand, the reverse complement: STRADA is on the minus strand); deleting any 26 consecutive bases within chr17:63,706,640-63,706,669 gives the same sequence; the c. name uses the placement nearest the transcript's 3' end. VCF-style (leftmost placement, unchanged base first): chr17-63706639-GTGGCAGGCATATCCTTAAAGGGGACA-G. GRCh37 (hg19) VCF-style: chr17-61783999-GTGGCAGGCATATCCTTAAAGGGGACA-G.
Other names: c.717_742del, p.Val240fs (NM_001003786.3, NM_001363789.1, NM_153335.6); c.654_679del, p.Val219fs (NM_001003788.3, NM_001363790.1, NM_001363791.1); c.741_766del, p.Val248fs (NM_001165969.2, NM_001363787.1, NM_001411084.1); c.696_721del, p.Val233fs (NM_001165970.2); c.804_829del, p.Val269fs (NM_001363786.1); c.828_853del, p.Val277fs (NM_001363788.1, NM_001411083.1); c.656_681del, p.Met219fs (NM_001411085.1); short protein forms V269fs, V219fs, V248fs, V277fs, M219fs, V240fs, V233fs.
Identifiers: ClinVar variation 3644079 (VCV003644079.2).
Genomic context (GRCh38, chr17:63,706,639, plus strand): 5'-CGAACATCTGTGGAAGGCAAGCAGGCAAGAAGGAAACCGATGGGCGGCAGGCTTACCTGG[GTGGCAGGCATATCCTTAAAGGGGACA>G]TGGCCGTTGGCCAGTTCACAGGCTGTGATTCCCACACTGTAGATGTCAGACTTGGCATCA-3'

ClinVar aggregate classification (germline): Pathogenic (1 of 4 stars; one submission).

Conditions:
Polyhydramnios, megalencephaly, and symptomatic epilepsy (PMSE). Also called: PMSE SYNDROME. Identifiers: Orphanet 500533, MedGen C1970203, MONDO:0012611, OMIM 611087.

Submission:

Labcorp Genetics (formerly Invitae), Labcorp
Classification: Pathogenic for Polyhydramnios, megalencephaly, and symptomatic epilepsy. Last evaluated: 2024-03-02. Review status: criteria provided, single submitter. Criteria: Invitae Variant Classification Sherloc (09022015). Collection method: clinical testing. Allele origin: germline.
Comment: This sequence change creates a premature translational stop signal (p.Val277Profs*23) in the STRADA gene. It is expected to result in an absent or disrupted protein product. Loss-of-function variants in STRADA are known to be pathogenic (PMID: 17522105, 27170158). This variant is not present in population databases (gnomAD no frequency). This variant has not been reported in the literature in individuals affected with STRADA-related conditions. For these reasons, this variant has been classified as Pathogenic.

Literature cited by the submitters: PubMed 17522105; PubMed 27170158.